The following is an entry in ClinVar:

NM_013322.3(SNX10):c.133A>G (p.Met45Val)

Gene: SNX10 (sorting nexin 10; plus strand). Cytogenetic location: 7p15.2.
Variant type: single nucleotide variant.
Coding change: c.133A>G on transcript NM_013322.3 (MANE Select); coding-DNA position 133, A replaced by G.
Protein change: p.Met45Val; replaces methionine 45 with valine.
Molecular consequence: missense variant. On other transcripts: intron variant (1).
Genome position (GRCh38, 1-based): chr7:26,364,556, A>G. VCF-style: chr7-26364556-A-G. GRCh37 (hg19) VCF-style: chr7-26404176-A-G.
Other names: c.133A>G, p.Met45Val (NM_001199835.1, NM_001318199.3); c.124A>G, p.Met42Val (NM_001199837.3); c.211A>G, p.Met71Val (NM_001318198.1, NM_001362753.1, NM_001362754.1); c.-41+54A>G (NM_001199838.2); short protein forms M71V, M42V, M45V.
Identifiers: ClinVar variation 1379202 (VCV001379202.5), dbSNP rs374503391, ClinGen allele CA4195187.

ClinVar aggregate classification (germline): Uncertain significance (1 of 4 stars; one submission).

Allele frequency attached by ClinVar (database versions not stated): gnomAD 0.00001; gnomAD exomes 0.00001 and 0.00002; TOPMed 0.00001; ExAC 0.00002; ESP Exome Variant Server 0.00008.
gnomAD v4.1: 13 of 1,613,792 alleles (0.00081%); highest among the groups gnomAD compares: Middle Eastern, 0.016%; no homozygotes.

Submission:

Labcorp Genetics (formerly Invitae), Labcorp
Classification: Uncertain significance. Last evaluated: 2022-07-25. Review status: criteria provided, single submitter. Criteria: Invitae Variant Classification Sherloc (09022015). Collection method: clinical testing. Allele origin: germline.
Comment: This sequence change replaces methionine, which is neutral and non-polar, with valine, which is neutral and non-polar, at codon 45 of the SNX10 protein (p.Met45Val). This variant is present in population databases (rs374503391, gnomAD 0.003%). This variant has not been reported in the literature in individuals affected with SNX10-related conditions. ClinVar contains an entry for this variant (Variation ID: 1379202). Algorithms developed to predict the effect of missense changes on protein structure and function (SIFT, PolyPhen-2, Align-GVGD) all suggest that this variant is likely to be tolerated. Algorithms developed to predict the effect of sequence changes on RNA splicing suggest that this variant may create or strengthen a splice site. In summary, the available evidence is currently insufficient to determine the role of this variant in disease. Therefore, it has been classified as a Variant of Uncertain Significance.